The following is an entry in ClinVar:

NM_001135651.3(EIF2AK2):c.398A>T (p.Tyr133Phe)

Gene: EIF2AK2 (eukaryotic translation initiation factor 2 alpha kinase 2; minus strand). Cytogenetic location: 2p22.2.
Variant type: single nucleotide variant.
Coding change: c.398A>T on transcript NM_001135651.3 (MANE Select); coding-DNA position 398, A replaced by T.
Protein change: p.Tyr133Phe; replaces tyrosine 133 with phenylalanine.
Molecular consequence: missense variant.
Genome position (GRCh38, 1-based): chr2:37,139,749, T>A on the plus strand (A>T on the coding strand, the complement: EIF2AK2 is on the minus strand). VCF-style: chr2-37139749-T-A. GRCh37 (hg19) VCF-style: chr2-37366892-T-A.
Other names: c.398A>T, p.Tyr133Phe (NM_001135652.3, NM_002759.4); short protein forms Y133F.
Identifiers: ClinVar variation 804253 (VCV000804253.8), dbSNP rs1573029592, ClinGen allele CA346318736.

ClinVar aggregate classification (germline): Uncertain significance. Review status: criteria provided, multiple submitters, no conflicts (2 of 4 stars). 4 submissions from 4 submitters: Uncertain significance (3). 1 of the submissions does not count toward it. Last evaluated 2020-12-18.

Conditions:
EIF2AK2-related disorder. Also called: EIF2AK2-related condition.
Leukoencephalopathy, developmental delay, and episodic neurologic regression syndrome. Also called: LEUDEN SYNDROME. Identifiers: MedGen C5394367, MONDO:0030035, OMIM 618877.
Inborn genetic diseases. Identifiers: MedGen C0950123, MeSH D030342.

Submissions (4):

SIB Swiss Institute of Bioinformatics
Classification: Uncertain significance for Leukoencephalopathy, developmental delay, and episodic neurologic regression syndrome. Last evaluated: 2020-12-18. Review status: criteria provided, single submitter. Criteria: ACMG Guidelines, 2015. Collection method: curation. Allele origin: unknown.
Comment: This variant is interpreted as a variant of uncertain significance for Leukoencephalopathy, developmental delay, and episodic neurologic regression syndrome, autosomal dominant The following ACMG Tag(s) were applied: Absent from controls (or at extremely low frequency if recessive) in Exome Sequencing Project, 1000 Genomes Project, or Exome Aggregation Consortium (PM2); de novo variant (PS2 downgraded to moderate); Well-established functional studies show a deleterious effect (PS3 downgraded to supporting).

Undiagnosed Diseases Network, NIH
Classification: Uncertain significance for EIF2AK2-related condition. Last evaluated: 2019-07-26. Review status: criteria provided, single submitter. Criteria: ACMG Guidelines, 2015. Collection method: clinical testing. Allele origin: de novo. Inheritance: Autosomal dominant inheritance. Affected: yes. Observed: 1 variant allele, 1 heterozygote.
Comment: Given the variant is a de novo missense variant, absent in population databases, and unpublished cohort data suggest it is associated with specific neurologic phenotypes, this variant is classified as a variant of uncertain significance. The variant is absent in gnomAD. Metrics indicate adequate coverage. As of 9/12/19, there were no published cases of disease causing variants in the EIF2AK2 gene. The EIF2AK2 gene has no established gene-disease association. The gene has a role in the EIF2B pathway, which has been associated with vanishing white matter leukoencephalopathies. However, unpublished laboratory cohort data has identified other unrelated patients with similar neurologic phenotypes to suggest that de novo missense variants are implicated in disease.

Ambry Genetics
Classification: Uncertain significance for Inborn genetic diseases. Last evaluated: 2018-11-30. Review status: criteria provided, single submitter. Criteria: Ambry exome assertion method (8-5-2015). Collection method: clinical testing. Allele origin: germline. Affected: yes. Observed: 1 variant allele.

OMIM
Classification: Pathogenic for LEUKOENCEPHALOPATHY, DEVELOPMENTAL DELAY, AND EPISODIC NEUROLOGIC REGRESSION SYNDROME. Last evaluated: 2022-02-10. Review status: no assertion criteria provided. Collection method: literature only. Allele origin: germline. Not counted in ClinVar's aggregate classification.

Literature cited by the submitters: PubMed 32197074 (cited by SIB Swiss Institute of Bioinformatics); Mao, D., Reuter, C. M., Ruzhnikov, M. R. Z., Beck, A. E., Farrow, E. G., Emrick, L. T., Rosenfeld, J. A., Mackenzie, K. M., Robak, L., Wheeler, M. T., Burrage, L. C., Jain, M., and 20 others De novo EIF2AK1 and EIF2AK2 variants are associated with developmental delay, leukoencephalopathy, and neurologic decompensation. Am. J. Hum. Genet. 106: 570-583, 2020. (cited by OMIM).